The following is an entry in ClinVar:

NM_003839.4(TNFRSF11A):c.1671G>T (p.Glu557Asp)

Gene: TNFRSF11A (TNF receptor superfamily member 11a; plus strand). Cytogenetic location: 18q21.33.
Variant type: single nucleotide variant.
Coding change: c.1671G>T on transcript NM_003839.4 (MANE Select); coding-DNA position 1671, G replaced by T.
Protein change: p.Glu557Asp; replaces glutamic acid 557 with aspartic acid.
Molecular consequence: missense variant. On other transcripts: 3 prime UTR variant (1).
Genome position (GRCh38, 1-based): chr18:62,384,854, G>T. VCF-style: chr18-62384854-G-T. GRCh37 (hg19) VCF-style: chr18-60052087-G-T.
Other names: c.*95G>T (NM_001270949.2); c.834G>T, p.Glu278Asp (NM_001270950.2); c.720G>T, p.Glu240Asp (NM_001270951.2); c.1629G>T, p.Glu543Asp (NM_001278268.2); short protein forms E543D, E557D, E240D, E278D.
Identifiers: ClinVar variation 3651173 (VCV003651173.2).

ClinVar aggregate classification (germline): Uncertain significance (1 of 4 stars; one submission).

gnomAD v4.1: 1 of 1,607,778 alleles (0.000062%); highest among the groups gnomAD compares: Non-Finnish European, 0.000085%; no homozygotes.

Submission:

Labcorp Genetics (formerly Invitae), Labcorp
Classification: Uncertain significance. Last evaluated: 2024-04-25. Review status: criteria provided, single submitter. Criteria: Invitae Variant Classification Sherloc (09022015). Collection method: clinical testing. Allele origin: germline.
Comment: This sequence change replaces glutamic acid, which is acidic and polar, with aspartic acid, which is acidic and polar, at codon 557 of the TNFRSF11A protein (p.Glu557Asp). This variant is not present in population databases (gnomAD no frequency). This variant has not been reported in the literature in individuals affected with TNFRSF11A-related conditions. An algorithm developed to predict the effect of missense changes on protein structure and function (PolyPhen-2) suggests that this variant is likely to be disruptive. In summary, the available evidence is currently insufficient to determine the role of this variant in disease. Therefore, it has been classified as a Variant of Uncertain Significance.